The following is an entry in ClinVar:

NM_194248.3(OTOF):c.3303G>A (p.Gly1101=)

Gene: OTOF (otoferlin; minus strand). Cytogenetic location: 2p23.3.
Variant type: single nucleotide variant.
Coding change: c.3303G>A on transcript NM_194248.3 (MANE Select); coding-DNA position 3303, G replaced by A.
Protein change: p.Gly1101=; no amino-acid change (glycine 1101 retained).
Molecular consequence: synonymous variant.
Genome position (GRCh38, 1-based): chr2:26,474,096, C>T on the plus strand (G>A on the coding strand, the complement: OTOF is on the minus strand). VCF-style: chr2-26474096-C-T. GRCh37 (hg19) VCF-style: chr2-26696964-C-T.
Other names: c.3303G>A, p.Gly1101= (NM_001287489.2); c.1062G>A, p.Gly354= (NM_004802.4, NM_194323.3); c.1233G>A, p.Gly411= (NM_194322.3).
Identifiers: ClinVar variation 180038 (VCV000180038.5), dbSNP rs727505304, ClinGen allele CA185690.
Genomic context (GRCh38, chr2:26,474,096, plus strand): 5'-GGGCATGATGGGACCTCGGTCCACGTCCACCGGGCCATTGATGGGGGGCAGGTCAGCCTT[C>T]CCTGCTGGTCCAATCTGGGGAATGGGGGTCACAGGTCACACACTGGGGAGCCCAGGGACA-3'
Protein context (NP_919224.1, residues 1091-1111): AFELLQIGPA[Gly1101=]KADLPPINGP

ClinVar aggregate classification (germline): Likely benign (1 of 4 stars; one submission).

Submission:

Laboratory for Molecular Medicine, Mass General Brigham Personalized Medicine
Classification: Likely benign. Last evaluated: 2014-09-25. Review status: criteria provided, single submitter. Criteria: LMM Criteria. Collection method: clinical testing. Allele origin: germline. Observed: 1 variant allele.
Comment: Gly1101Gly in exon 27 of OTOF: This variant is not expected to have clinical sig nificance because it does not alter an amino acid residue and is not located wit hin the splice consensus sequence.